The following is an entry in ClinVar:

NM_001846.4(COL4A2):c.*800G>A

Gene: COL4A2 (collagen type IV alpha 2 chain; plus strand). Cytogenetic location: 13q34.
Variant type: single nucleotide variant.
Coding change: c.*800G>A on transcript NM_001846.4 (MANE Select); 800 bases downstream of the stop codon, G replaced by A.
Molecular consequence: 3 prime UTR variant.
Genome position (GRCh38, 1-based): chr13:110,512,991, G>A. VCF-style: chr13-110512991-G-A. GRCh37 (hg19) VCF-style: chr13-111165338-G-A.
Identifiers: ClinVar variation 311216 (VCV000311216.5), dbSNP rs73618180, ClinGen allele CA10633915.

ClinVar aggregate classification (germline): Benign (1 of 4 stars; one submission).

Conditions:
Brain small vessel disease 2A, autosomal dominant. Also called: Porencephaly 2. Identifiers: Orphanet 2940, Orphanet 99810, MedGen C3280970, MONDO:0013773, OMIM 614483.

Allele frequency attached by ClinVar (database versions not stated): gnomAD 0.01600; 1000 Genomes Project 0.01717; TOPMed 0.01765; 1000 Genomes Project 30x 0.01843.

Submission:

Illumina Laboratory Services, Illumina
Classification: Benign for Brain small vessel disease 2A, autosomal dominant. Last evaluated: 2018-01-13. Review status: criteria provided, single submitter. Criteria: ICSL Variant Classification Criteria 13 December 2019. Collection method: clinical testing. Allele origin: germline.
Comment: This variant was observed in the ICSL laboratory as part of a predisposition screen in an ostensibly healthy population. It had not been previously curated by ICSL or reported in the Human Gene Mutation Database (HGMD: prior to June 1st, 2018), and was therefore a candidate for classification through an automated scoring system. Utilizing variant allele frequency, disease prevalence and penetrance estimates, and inheritance mode, an automated score was calculated to assess if this variant is too frequent to cause the disease. Based on the score and internal cut-off values, a variant classified as benign is not then subjected to further curation. The score for this variant resulted in a classification of benign for this disease.